The following is an entry in ClinVar:

NM_001330360.2(POLA1):c.1177C>G (p.Leu393Val)

Gene: POLA1 (DNA polymerase alpha 1, catalytic subunit; plus strand). Cytogenetic location: Xp22.11.
Variant type: single nucleotide variant.
Coding change: c.1177C>G on transcript NM_001330360.2 (MANE Select); coding-DNA position 1177, C replaced by G.
Protein change: p.Leu393Val; replaces leucine 393 with valine.
Molecular consequence: missense variant. On other transcripts: non-coding transcript variant (2).
Genome position (GRCh38, 1-based): chrX:24,723,244, C>G. VCF-style: chrX-24723244-C-G. GRCh37 (hg19) VCF-style: chrX-24741361-C-G.
Other names: c.1177C>G, p.Leu393Val (NM_001378303.1, NM_001440806.1); c.1159C>G, p.Leu387Val (NM_016937.4); short protein forms L387V, L393V.
Identifiers: ClinVar variation 4882312 (VCV004882312.2).

ClinVar aggregate classification (germline): Uncertain significance (1 of 4 stars; one submission).

gnomAD v4.1: 2 of 1,183,223 alleles (0.00017%); highest among the groups gnomAD compares: East Asian, 0.0059%; no homozygotes.

Submission:

Dasa
Classification: Uncertain significance. Last evaluated: 2025-10-02. Review status: criteria provided, single submitter. Criteria: DASA Assertion Criteria. Collection method: clinical testing. Allele origin: germline.
Comment: NM_001330360.2(POLA1):c.1177C>G (p.Leu393Val) is a missense variant that results in the substitution of leucine with valine. This variant is rare in population databases. Computational prediction algorithms are consistent with a benign effect. The currently available literature and clinical evidence are not sufficient to establish a definitive association between this variant and the reported condition. Therefore, this variant is classified as a variant of uncertain significance.